The following is an entry in ClinVar:

NM_005257.6(GATA6):c.364G>A (p.Ala122Thr)

Gene: GATA6 (GATA binding protein 6; plus strand). Cytogenetic location: 18q11.2.
Variant type: single nucleotide variant.
Coding change: c.364G>A on transcript NM_005257.6 (MANE Select); coding-DNA position 364, G replaced by A.
Protein change: p.Ala122Thr; replaces alanine 122 with threonine.
Molecular consequence: missense variant.
Genome position (GRCh38, 1-based): chr18:22,171,508, G>A. VCF-style: chr18-22171508-G-A. GRCh37 (hg19) VCF-style: chr18-19751469-G-A.
Other names: short protein forms A122T.
Identifiers: ClinVar variation 1434372 (VCV001434372.7), dbSNP rs1245960637, ClinGen allele CA401799505.

ClinVar aggregate classification (germline): Uncertain significance. Review status: criteria provided, multiple submitters, no conflicts (2 of 4 stars). 2 submissions from 2 submitters: Uncertain significance (2). Last evaluated 2023-11-23.

Conditions:
Atrioventricular septal defect 5 (AVSD5). Identifiers: MedGen C3280939, MONDO:0013769, OMIM 614474.

Submissions (2):

Blueprint Genetics
Classification: Uncertain significance. Last evaluated: 2023-11-23. Review status: criteria provided, single submitter. Criteria: ACMG Guidelines, 2015. Collection method: clinical testing. Allele origin: germline.

Labcorp Genetics (formerly Invitae), Labcorp
Classification: Uncertain significance for Atrioventricular septal defect 5. Last evaluated: 2021-08-21. Review status: criteria provided, single submitter. Criteria: Invitae Variant Classification Sherloc (09022015). Collection method: clinical testing. Allele origin: germline.
Comment: Algorithms developed to predict the effect of missense changes on protein structure and function (SIFT, PolyPhen-2, Align-GVGD) all suggest that this variant is likely to be tolerated. In summary, the available evidence is currently insufficient to determine the role of this variant in disease. Therefore, it has been classified as a Variant of Uncertain Significance. This sequence change replaces alanine with threonine at codon 122 of the GATA6 protein (p.Ala122Thr). The alanine residue is weakly conserved and there is a small physicochemical difference between alanine and threonine. This variant is not present in population databases (ExAC no frequency). This variant has not been reported in the literature in individuals affected with GATA6-related conditions.